The following is an entry in ClinVar:

ClinVar aggregate classification (germline): Benign/Likely benign. Review status: criteria provided, multiple submitters, no conflicts (2 of 4 stars). 4 submissions from 4 submitters: Benign (1); Likely benign (3). Last evaluated 2025-11-09.

Conditions:
Hereditary cancer-predisposing syndrome. Also called: Hereditary Cancer Syndrome; Neoplastic Syndromes, Hereditary; Hereditary neoplastic syndrome; Tumor predisposition. Identifiers: Orphanet 140162, MedGen C0027672, MeSH D009386, MONDO:0015356.
Multiple endocrine neoplasia, type 2 (MEN2). Identifiers: Orphanet 653, MedGen C4048306, MONDO:0019003. Disease mechanism: gain of function.
Multiple endocrine neoplasia type 2A. Also called: MULTIPLE ENDOCRINE NEOPLASIA, TYPE IIA; PTC SYNDROME; SIPPLE SYNDROME; MEN 2A; MEN-2A syndrome; Pheochromocytoma and amyloid producing medullary thyroid carcinoma. Identifiers: Orphanet 247698, Orphanet 653, MedGen C0025268, MeSH D018813, MONDO:0008234, OMIM 171400.

Allele frequency attached by ClinVar (database versions not stated): TOPMed 0.00001; ESP Exome Variant Server 0.00008.

Submissions (4):

Labcorp Genetics (formerly Invitae), Labcorp
Classification: Likely benign for Multiple endocrine neoplasia, type 2. Last evaluated: 2025-11-09. Review status: criteria provided, single submitter. Criteria: Invitae Variant Classification Sherloc (09022015). Collection method: clinical testing. Allele origin: germline.

Myriad Genetics, Inc.
Classification: Benign for Multiple endocrine neoplasia type 2A. Last evaluated: 2025-02-27. Review status: criteria provided, single submitter. Criteria: Myriad Autosomal Dominant, Autosomal Recessive and X-Linked Classification Criteria (2023). Collection method: clinical testing. Allele origin: unknown.
Comment: This variant is considered benign. This variant is a silent/synonymous amino acid change and it is not expected to impact splicing.

All of Us Research Program, National Institutes of Health
Classification: Likely benign for Multiple endocrine neoplasia, type 2. Last evaluated: 2023-09-17. Review status: criteria provided, single submitter. Criteria: ACMG Guidelines, 2015. Collection method: clinical testing. Allele origin: germline. Inheritance: Autosomal dominant inheritance. Observed: 1 variant allele, 1 heterozygote.
Comment: This study involves interpretation of variants in research participants for the purpose of population health screening. Participant phenotype was not available at the time of variant classification. Additional details can be found in publication PMID: 35346344, PMCID: PMC8962531

Ambry Genetics
Classification: Likely benign for Hereditary cancer-predisposing syndrome. Last evaluated: 2019-09-11. Review status: criteria provided, single submitter. Criteria: Ambry Variant Classification Scheme 2023. Collection method: clinical testing. Allele origin: germline.

NM_020975.6(RET):c.2457C>T (p.Ser819=)

Gene: RET (ret proto-oncogene; plus strand). Cytogenetic location: 10q11.21.
Variant type: single nucleotide variant.
Coding change: c.2457C>T on transcript NM_020975.6 (MANE Select); coding-DNA position 2457, C replaced by T.
Protein change: p.Ser819=; no amino-acid change (serine 819 retained).
Molecular consequence: synonymous variant.
Genome position (GRCh38, 1-based): chr10:43,119,595, C>T. VCF-style: chr10-43119595-C-T. GRCh37 (hg19) VCF-style: chr10-43615043-C-T.
Other names: c.2457C>T, p.Ser819= (NM_000323.2, NM_001406743.1, NM_001406744.1 and 4 more transcripts); c.1695C>T, p.Ser565= (NM_001355216.2); c.2328C>T, p.Ser776= (NM_001406761.1, NM_001406762.1, NM_001406764.1); c.2322C>T, p.Ser774= (NM_001406763.1, NM_001406765.1); c.2169C>T, p.Ser723= (NM_001406766.1, NM_001406767.1, NM_001406770.1); c.2193C>T, p.Ser731= (NM_001406768.1); c.2061C>T, p.Ser687= (NM_001406769.1, NM_001406772.1); c.2019C>T, p.Ser673= (NM_001406771.1, NM_001406773.1); and 10 more.
Identifiers: ClinVar variation 1087471 (VCV001087471.14), dbSNP rs375322585, ClinGen allele CA206266600.